The following is an entry in ClinVar:

NM_000701.8(ATP1A1):c.2392A>G (p.Ile798Val)

Genes: ATP1A1 (ATPase Na+/K+ transporting subunit alpha 1; plus strand), ATP1A1-AS1 (ATP1A1 antisense RNA 1; minus strand). Cytogenetic location: 1p13.1.
Variant type: single nucleotide variant.
Coding change: c.2392A>G on transcript NM_000701.8 (MANE Select); coding-DNA position 2392, A replaced by G.
Protein change: p.Ile798Val; replaces isoleucine 798 with valine.
Molecular consequence: missense variant. On other transcripts: non-coding transcript variant (1).
Genome position (GRCh38, 1-based): chr1:116,399,028, A>G. VCF-style: chr1-116399028-A-G. GRCh37 (hg19) VCF-style: chr1-116941650-A-G.
Other names: c.2392A>G, p.Ile798Val (NM_001160233.2); c.2299A>G, p.Ile767Val (NM_001160234.2); short protein forms I767V, I798V.
Identifiers: ClinVar variation 2769625 (VCV002769625.3), dbSNP rs2525882652, ClinGen allele CA341773762.

ClinVar aggregate classification (germline): Uncertain significance (1 of 4 stars; one submission).

Submission:

Labcorp Genetics (formerly Invitae), Labcorp
Classification: Uncertain significance. Last evaluated: 2024-11-18. Review status: criteria provided, single submitter. Criteria: Invitae Variant Classification Sherloc (09022015). Collection method: clinical testing. Allele origin: germline.
Comment: This sequence change replaces isoleucine, which is neutral and non-polar, with valine, which is neutral and non-polar, at codon 798 of the ATP1A1 protein (p.Ile798Val). This variant is not present in population databases (gnomAD no frequency). This variant has not been reported in the literature in individuals affected with ATP1A1-related conditions. ClinVar contains an entry for this variant (Variation ID: 2769625). Invitae Evidence Modeling of protein sequence and biophysical properties (such as structural, functional, and spatial information, amino acid conservation, physicochemical variation, residue mobility, and thermodynamic stability) indicates that this missense variant is not expected to disrupt ATP1A1 protein function with a negative predictive value of 95%. In summary, the available evidence is currently insufficient to determine the role of this variant in disease. Therefore, it has been classified as a Variant of Uncertain Significance.